The following is an entry in ClinVar:

ClinVar aggregate classification (germline): Likely pathogenic. Review status: criteria provided, single submitter (1 of 4 stars). 2 submissions from 2 submitters: Likely pathogenic (1). 1 of the submissions does not count toward it. Last evaluated 2016-09-16.

Conditions:
Pyruvate dehydrogenase E1-alpha deficiency (PDHAD). Also called: Ataxia, intermittent, with pyruvate dehydrogenase, or decarboxylase, deficiency; ATAXIA WITH LACTIC ACIDOSIS I; ATAXIA, INTERMITTENT, WITH PYRUVATE DEHYDROGENASE DEFICIENCY; ATAXIA, INTERMITTENT, WITH ABNORMAL PYRUVATE METABOLISM. Identifiers: Orphanet 79243, MedGen C1839413, MONDO:0010717, OMIM 312170.

Submissions (2):

GeneDx
Classification: Likely pathogenic. Last evaluated: 2016-09-16. Review status: criteria provided, single submitter. Criteria: GeneDx Variant Classification (06012015). Collection method: clinical testing. Allele origin: germline. Affected: yes.
Comment: The E137K variant has not been published as a pathogenic variant, nor has it been reported as a benign variant to our knowledge. The E137K variant was not observed in approximately 6500 individuals of European and African American ancestry in the NHLBI Exome Sequencing Project, indicating it is not a common benign variant in these populations. The E137K variant is a non-conservative amino acid substitution, which is likely to impact secondary protein structure as these residues differ in polarity, charge, size and/or other properties. This substitution occurs at a position that is conserved across species and in silico analysis predicts this variant is probably damaging to the protein structure/function. Therefore, this variant is likely pathogenic; however, the possibility that it is benign cannot be excluded

PDHA1 Study Group, University Children’s Hospital, Paracelsus Medical University
Classification: Pathogenic for Pyruvate dehydrogenase E1-alpha deficiency. Last evaluated: 2024-10-15. Review status: no assertion criteria provided. Collection method: research. Allele origin: de novo. Affected: yes. Observed: 1 variant allele. Not counted in ClinVar's aggregate classification.
Comment: The NM_000284.3:c.409G>A (p.Glu137Lys) substitution is a missense variant in PDHA1 gene. Among them, 1 case had confirmed de novo occurrence. Last literature search: July 12, 2024. This variant is absent or extremely rare in population-based cohorts in the Genome Aggregation Database (gnomAD). Individuals harboring this variant presented with clinical features compatible with PDHA1-related PDHc deficiency. In summary, this variant meets criteria to be classified as pathogenic (P) for PDHA1-related PDHc deficiency based on the ACMG/AMP criteria applied: PS2, PM1, PM2, PM5, PP3 (last assessment October 15, 2024).

Literature cited by the submitters: DOI 10.1093/brain/awaf430 (cited by PDHA1 Study Group, University Children’s Hospital, Paracelsus Medical University).

NM_000284.4(PDHA1):c.409G>A (p.Glu137Lys)

Gene: PDHA1 (pyruvate dehydrogenase E1 subunit alpha 1; plus strand). Cytogenetic location: Xp22.12.
Variant type: single nucleotide variant.
Coding change: c.409G>A on transcript NM_000284.4 (MANE Select); coding-DNA position 409, G replaced by A.
Protein change: p.Glu137Lys; replaces glutamic acid 137 with lysine.
Molecular consequence: missense variant.
Genome position (GRCh38, 1-based): chrX:19,351,398, G>A. VCF-style: chrX-19351398-G-A. GRCh37 (hg19) VCF-style: chrX-19369516-G-A.
Other names: c.523G>A, p.Glu175Lys (NM_001173454.2); c.430G>A, p.Glu144Lys (NM_001173455.2); c.409G>A, p.Glu137Lys (NM_001173456.2); short protein forms E137K, E144K, E175K.
Identifiers: ClinVar variation 432213 (VCV000432213.3), dbSNP rs1555933663, ClinGen allele CA412391372.